The following is an entry in ClinVar:

NM_144670.6(A2ML1):c.1750G>T (p.Ala584Ser)

Gene: A2ML1 (alpha-2-macroglobulin like 1; plus strand). Cytogenetic location: 12p13.31.
Variant type: single nucleotide variant.
Coding change: c.1750G>T on transcript NM_144670.6 (MANE Select); coding-DNA position 1750, G replaced by T.
Protein change: p.Ala584Ser; replaces alanine 584 with serine.
Molecular consequence: missense variant.
Genome position (GRCh38, 1-based): chr12:8,847,615, G>T. VCF-style: chr12-8847615-G-T. GRCh37 (hg19) VCF-style: chr12-9000211-G-T.
Other names: c.277G>T, p.Ala93Ser (NM_001282424.3); short protein forms A584S, A93S.
Identifiers: ClinVar variation 3667905 (VCV003667905.2).

ClinVar aggregate classification (germline): Uncertain significance (1 of 4 stars; one submission).

Submission:

Labcorp Genetics (formerly Invitae), Labcorp
Classification: Uncertain significance. Last evaluated: 2024-08-14. Review status: criteria provided, single submitter. Criteria: Invitae Variant Classification Sherloc (09022015). Collection method: clinical testing. Allele origin: germline.
Comment: This sequence change replaces alanine, which is neutral and non-polar, with serine, which is neutral and polar, at codon 584 of the A2ML1 protein (p.Ala584Ser). This variant is not present in population databases (gnomAD no frequency). This variant has not been reported in the literature in individuals affected with A2ML1-related conditions. An algorithm developed to predict the effect of missense changes on protein structure and function (PolyPhen-2) suggests that this variant is likely to be disruptive. In summary, the available evidence is currently insufficient to determine the role of this variant in disease. Therefore, it has been classified as a Variant of Uncertain Significance.